The following is an entry in ClinVar:

ClinVar aggregate classification (germline): Likely benign. Review status: criteria provided, multiple submitters, no conflicts (2 of 4 stars). 3 submissions from 3 submitters: Likely benign (3). Last evaluated 2025-12-01.

Allele frequency attached by ClinVar (database versions not stated): ExAC 0.00004; gnomAD exomes 0.00007 and 0.00020; gnomAD 0.00013 and 0.00014; 1000 Genomes Project 30x 0.00016; TOPMed 0.00016; 1000 Genomes Project 0.00020; ESP Exome Variant Server 0.00023.
gnomAD v4.1: 317 of 1,614,128 alleles (0.02%); highest among the groups gnomAD compares: Non-Finnish European, 0.024%; no homozygotes.

Submissions (3):

Labcorp Genetics (formerly Invitae), Labcorp
Classification: Likely benign. Last evaluated: 2025-12-01. Review status: criteria provided, single submitter. Criteria: Invitae Variant Classification Sherloc (09022015). Collection method: clinical testing. Allele origin: germline.

CeGaT Center for Human Genetics Tuebingen
Classification: Likely benign. Last evaluated: 2025-06-01. Review status: criteria provided, single submitter. Criteria: CeGaT Center For Human Genetics Tuebingen Variant Classification Criteria Version 2. Collection method: clinical testing. Allele origin: germline. Affected: yes. Observed: 1 variant allele.
Comment: ARMC9: BP4, BP7

Blueprint Genetics
Classification: Likely benign. Last evaluated: 2023-10-26. Review status: criteria provided, single submitter. Criteria: ACMG Guidelines, 2015. Collection method: clinical testing. Allele origin: germline.

NM_001352754.2(ARMC9):c.1425G>A (p.Thr475=)

Gene: ARMC9 (armadillo repeat containing 9; plus strand). Cytogenetic location: 2q37.1.
Variant type: single nucleotide variant.
Coding change: c.1425G>A on transcript NM_001352754.2 (MANE Select); coding-DNA position 1425, G replaced by A.
Protein change: p.Thr475=; no amino-acid change (threonine 475 retained).
Molecular consequence: synonymous variant. On other transcripts: non-coding transcript variant (1).
Genome position (GRCh38, 1-based): chr2:231,276,726, G>A. VCF-style: chr2-231276726-G-A. GRCh37 (hg19) VCF-style: chr2-232141439-G-A.
Other names: c.1425G>A, p.Thr475= (NM_001271466.4, NM_001291656.2, NM_001352755.2 and 3 more transcripts); c.1326G>A, p.Thr442= (NM_001352757.2, NM_001352758.2).
Identifiers: ClinVar variation 1155969 (VCV001155969.18), dbSNP rs147377923, ClinGen allele CA2160320.
Genomic context (GRCh38, chr2:231,276,726, plus strand): 5'-CGGCCTCATCTTCTGGCTGGTTGATGTTCTGAAGGACCCTGACTGCCTGTCTGACTACAC[G>A]CTGGAGTACTCGGTGGCTTTGCTCATGAACCTCTGCCTCCGCAGCACAGGTCTCAGCCCC-3'
Protein context (NP_001339683.2, residues 465-485): LKDPDCLSDY[Thr475=]LEYSVALLMN